The following is an entry in ClinVar:

ClinVar aggregate classification (germline): Pathogenic. Review status: criteria provided, multiple submitters, no conflicts (2 of 4 stars). 11 submissions from 11 submitters: Pathogenic (8). 3 of the submissions do not count toward it. Last evaluated 2026-04-19.

Conditions:
KRT5-related disorder. Also called: KRT5-related condition.
Inborn genetic diseases. Identifiers: MedGen C0950123, MeSH D030342.
Epidermolysis bullosa simplex. Also called: Epidermolysis bullosa simplex, Weber-Cockayne type (subtype); Epidermolysis bullosa simplex, Dowling-Meara type (subtype); Epidermolysis bullosa simplex with mottled pigmentation (subtype). Identifiers: Orphanet 304, MedGen C0079298, MONDO:0017610.
Epidermolysis bullosa simplex with mottled pigmentation (EBS2F). Also called: EPIDERMOLYSIS BULLOSA SIMPLEX 2F, WITH MOTTLED PIGMENTATION; SPECKLED HYPERPIGMENTATION WITH PUNCTATE PALMOPLANTAR KERATOSES AND CHILDHOOD BLISTERING. Identifiers: Orphanet 79397, MedGen C0432316, MONDO:0007556, OMIM 131960.

Allele frequency attached by ClinVar (database versions not stated): gnomAD exomes below 0.00001.
gnomAD v4.1: 4 of 1,614,086 alleles (0.00025%); highest among the groups gnomAD compares: Non-Finnish European, 0.00034%; no homozygotes.

Submissions (11):

PreventionGenetics, part of Exact Sciences
Classification: Pathogenic for KRT5-related condition. Last evaluated: 2026-04-19. Review status: criteria provided, single submitter. Criteria: ACMG Guidelines, 2015. Collection method: clinical testing. Allele origin: germline.
Comment: The KRT5 c.74C>T variant is predicted to result in the amino acid substitution p.Pro25Leu. This variant has been reported in individuals with epidermolysis bullosa simplex (EBS) and the affected family members (see for example, Uttam et al. 1996. PubMed ID: 8799157, reported as P24L; Pascucci et al. 2006. PubMed ID: 17229601; Pfendner et al. 2005. PubMed ID: 16098032; Mariath et al. 2019. PubMed ID: 31001817). This variant has also been reported as de novo in an individual with EBS (Table S1, Chen et al. 2023. PubMed ID: 36287101). This variant has not been reported in a large population database, indicating it is rare. This variant is interpreted as pathogenic.

Labcorp Genetics (formerly Invitae), Labcorp
Classification: Pathogenic. Last evaluated: 2025-11-19. Review status: criteria provided, single submitter. Criteria: Invitae Variant Classification Sherloc (09022015). Collection method: clinical testing. Allele origin: germline.
Comment: This sequence change replaces proline, which is neutral and non-polar, with leucine, which is neutral and non-polar, at codon 25 of the KRT5 protein (p.Pro25Leu). This variant is not present in population databases (gnomAD no frequency). This missense change has been observed in individuals with autosomal dominant epidermolysis bullosa simplex (PMID: 8799157, 15030360, 16098032, 16581562, 17229601). It has also been observed to segregate with disease in related individuals. This variant is also known as p.Pro24Leu. ClinVar contains an entry for this variant (Variation ID: 14648). Invitae Evidence Modeling of protein sequence and biophysical properties (such as structural, functional, and spatial information, amino acid conservation, physicochemical variation, residue mobility, and thermodynamic stability) indicates that this missense variant is not expected to disrupt KRT5 protein function with a negative predictive value of 95%. For these reasons, this variant has been classified as Pathogenic.

Ambry Genetics
Classification: Pathogenic for Inborn genetic diseases. Last evaluated: 2025-03-31. Review status: criteria provided, single submitter. Criteria: Ambry Variant Classification Scheme 2023. Collection method: clinical testing. Allele origin: germline.
Comment: The c.74C>T (p.P25L) alteration is located in exon 1 (coding exon 1) of the KRT5 gene. This alteration results from a C to T substitution at nucleotide position 74, causing the proline (P) at amino acid position 25 to be replaced by a leucine (L). for autosomal dominant KRT5-related epidermolysis bullosa simplex; however, its clinical significance for autosomal recessive KRT5-related epidermolysis bullosa simplex and autosomal dominant Dowling-Degos disease is uncertain. This variant was not reported in population-based cohorts in the Genome Aggregation Database (gnomAD). This variant was identified in one or more individuals with features consistent with autosomal dominant KRT5-related epidermolysis bullosa simplex (Uttam, 1996; Hamada, 2004; Pfendner, 2005; Pascucci, 2006; Echeverr&iacute;a-Garc&iacute;a, 2013) and segregated with disease in at least one family (Uttam, 1996). This amino acid position is well conserved in available vertebrate species. The in silico prediction for this alteration is inconclusive. Based on the available evidence, this alteration is classified as pathogenic.

Blueprint Genetics
Classification: Pathogenic for KRT5-related disorders. Last evaluated: 2024-10-31. Review status: criteria provided, single submitter. Criteria: ACMG Guidelines, 2015. Collection method: clinical testing. Allele origin: germline. Affected: yes. Observed: 4 variant alleles.

Institute for Clinical Genetics, University Hospital TU Dresden, University Hospital TU Dresden
Classification: Pathogenic for Epidermolysis bullosa simplex with mottled pigmentation. Last evaluated: 2024-01-12. Review status: criteria provided, single submitter. Criteria: ACMG Guidelines, 2015. Collection method: clinical testing. Allele origin: germline. Affected: yes.
Comment: The missense variant in the KRT5 gene (NM_000424.4:c.74C>T, p.(Pro25Leu)) leads to an amino acid exchange at position 25 in the corresponding protein due to a base exchange at position 74 of the mRNA. This variant is classified as pathogenic 4 times in the ClinVar database. The gene empirically shows no increased sensitivity to missense variants (Z-score 0.226). Bioinformatic prediction algorithms estimate the effect of the variant on protein function as unclear (REVEL score 0.409). In a functional study, it was shown that keratin filaments were significantly shortened in cultured cells with this variant (PMID: 8799157). The variant segregated with the disease in several families (PMID: 8799157, PMID: 22640275). In the gnomAD database, this variant has been found heterozygous 4 times in healthy individuals. According to current ACMG recommendations for variant evaluation (PMID 25741868), the criteria PS3_SUP, PS4, PM2_SUP and PP1 are fulfilled, resulting in an evaluation as a likely pathogenic variant (ACMG class 4).

Victorian Clinical Genetics Services, Murdoch Childrens Research Institute
Classification: Pathogenic for Epidermolysis bullosa simplex with mottled pigmentation. Last evaluated: 2022-06-24. Review status: criteria provided, single submitter. Criteria: ACMG Guidelines, 2015. Collection method: clinical testing. Allele origin: germline.
Comment: Based on the classification scheme VCGS_Germline_v1.3.4, this variant is classified as Pathogenic. Following criteria are met: 0103 - Loss of function and dominant negative are the known mechanisms of disease in this gene and are associated with KRT5-related conditions (DECIPHER, GeneReviews, PMID: 25017986). (I) 0108 - This gene is associated with both recessive and dominant disease. Conditions associated with this gene are mostly autosomal dominant; however rare autosomal recessive cases have been reported, sometimes with more severe phenotypes (OMIM, PMID: 31312705). This variant is well known to cause autosomal dominant Epidermolysis bullosa simplex 2F, with mottled pigmentation (MIM #131960). (I) 0115 - Variants in this gene are known to have variable expressivity, with clinical manifestations varying between members of the same affected family, and of different families (PMID: 22640275). (I) 0200 - Variant is predicted to result in a missense amino acid change from proline to leucine. (I) 0251 - This variant is heterozygous. (I) 0301 - Variant is absent from gnomAD (both v2 and v3). (SP) 0801 - This variant has strong previous evidence of pathogenicity in greater than 10 unrelated individuals with epidermolysis bullosa simplex with mottled pigmentation (PMID: 11167681, PMID: 8799157, PMID: 22640275, PMID: 26286811, PMID: 23993914, PMID: 20849457, PMID: 33910931, PMID: 24964947, PMID: 26432462). (SP) 1208 - Inheritance information for this variant is not currently available in this individual. (I) Legend: (SP) - Supporting pathogenic, (I) - Information, (SB) - Supporting benign

GeneDx
Classification: Pathogenic. Last evaluated: 2020-09-04. Review status: criteria provided, single submitter. Criteria: GeneDx Variant Classification Process June 2021. Collection method: clinical testing. Allele origin: germline. Affected: yes.
Comment: Published functional studies demonstrate that although P25L does not interfere with alignment and assembly of keratin intermediate filaments, it affects the length and uniformity of the resulting filaments, thus explaining the milder blistering phenotype of EBS-MP (Uttam et al., 1996); In silico analysis, which includes protein predictors and evolutionary conservation, supports a deleterious effect, although this variant resides within the non-helical variable head domain (V1 region) of keratin 5, which is outside the typical keratin hot spots; The majority of missense variants in this gene are considered pathogenic (Stenson et al., 2014); Not observed in large population cohorts (Lek et al., 2016); This variant is associated with the following publications: (PMID: 31001817, 30690752, 16581562, 22640275, 21623745, 21375516, 20199538, 20923750, 8799157, 16882168, 16098032, 15827748, 11167681, 10494094, 9129237, 26286811, 15030360, 24964947, 22161089, 23889190, 17229601)

Biomedical Innovation Departament, CIEMAT
Classification: Pathogenic for Simplex epidermolysis bullosa. Last evaluated: 2018-02-26. Review status: criteria provided, single submitter. Criteria: ACMG Guidelines, 2015. Collection method: research. Allele origin: de novo, germline. Affected: yes. Observed: 4 variant alleles.

OMIM
Classification: Pathogenic for EPIDERMOLYSIS BULLOSA SIMPLEX 2F, WITH MOTTLED PIGMENTATION. Last evaluated: 2010-11-01. Review status: no assertion criteria provided. Collection method: literature only. Allele origin: germline. Not counted in ClinVar's aggregate classification.

Epithelial Biology;  Institute of Medical Biology, Singapore
No classification provided. Review status: no classification provided. Collection method: not provided. Allele origin: not provided. Not counted in ClinVar's aggregate classification.

GeneReviews
No classification provided. Condition: Epidermolysis bullosa simplex with mottled pigmentation. Review status: no classification provided. Collection method: literature only. Allele origin: unknown. Not counted in ClinVar's aggregate classification.

Literature cited by the submitters: PubMed 8799157 (cited by 5 submitters); PubMed 15030360 (cited by Labcorp Genetics (formerly Invitae), Labcorp and Ambry Genetics); PubMed 16098032 (cited by Labcorp Genetics (formerly Invitae), Labcorp and Ambry Genetics); PubMed 16581562 (cited by Labcorp Genetics (formerly Invitae), Labcorp and OMIM); PubMed 17229601 (cited by Labcorp Genetics (formerly Invitae), Labcorp and Ambry Genetics); PubMed 22640275 (cited by Ambry Genetics and Victorian Clinical Genetics Services, Murdoch Childrens Research Institute); PubMed 11167681 (cited by 3 submitters); PubMed 20849457 (cited by Victorian Clinical Genetics Services, Murdoch Childrens Research Institute); PubMed 23993914 (cited by Victorian Clinical Genetics Services, Murdoch Childrens Research Institute); PubMed 24964947 (cited by Victorian Clinical Genetics Services, Murdoch Childrens Research Institute); PubMed 25017986 (cited by Victorian Clinical Genetics Services, Murdoch Childrens Research Institute); PubMed 26286811 (cited by Victorian Clinical Genetics Services, Murdoch Childrens Research Institute); PubMed 26432462 (cited by Victorian Clinical Genetics Services, Murdoch Childrens Research Institute); PubMed 31312705 (cited by Victorian Clinical Genetics Services, Murdoch Childrens Research Institute); PubMed 33910931 (cited by Victorian Clinical Genetics Services, Murdoch Childrens Research Institute); PubMed 20108434 (cited by Biomedical Innovation Departament, CIEMAT); PubMed 421361 (cited by OMIM); PubMed 9129237 (cited by OMIM and GeneReviews); PubMed 10494094 (cited by OMIM); PubMed 6457621 (cited by OMIM); PubMed 2476664 (cited by OMIM and GeneReviews); PubMed 20923750 (cited by OMIM); PubMed 1049409 (cited by GeneReviews); PubMed 20301543 (cited by GeneReviews); NCBI Bookshelf NBK1369 (cited by GeneReviews).

NM_000424.4(KRT5):c.74C>T (p.Pro25Leu)

Gene: KRT5 (keratin 5; minus strand). Cytogenetic location: 12q13.13.
Variant type: single nucleotide variant.
Coding change: c.74C>T on transcript NM_000424.4 (MANE Select); coding-DNA position 74, C replaced by T.
Protein change: p.Pro25Leu; replaces proline 25 with leucine.
Molecular consequence: missense variant.
Genome position (GRCh38, 1-based): chr12:52,520,223, G>A on the plus strand (C>T on the coding strand, the complement: KRT5 is on the minus strand). VCF-style: chr12-52520223-G-A. GRCh37 (hg19) VCF-style: chr12-52914007-G-A.
Other names: short protein forms P25L.
Identifiers: ClinVar variation 14648 (VCV000014648.21), dbSNP rs57499817, ClinGen allele CA216792.
Genomic context (GRCh38, chr12:52,520,223, plus strand): 5'-CCACCACCACCGCCACCCCCGGACCGGGACACGGAGGTGAAGCTGGTGCGGGAGACAGAC[G>A]GGGTGATGGCAGAGGCGGTGCTGAAGCTACGACTGCCCCCGCTCCGGAAGGACACACTTG-3'
Protein context (NP_000415.2, residues 15-35): RSFSTASAIT[Pro25Leu]SVSRTSFTSV